The following is an entry in ClinVar:

ClinVar aggregate classification (germline): Uncertain significance (1 of 4 stars; one submission).

Conditions:
Neuropathy, hereditary sensory, type 1F. Also called: HSN IF; Hereditary sensory neuropathy type IF. Identifiers: Orphanet 36386, MedGen C3810194, MONDO:0014286, OMIM 615632.

Submission:

Labcorp Genetics (formerly Invitae), Labcorp
Classification: Uncertain significance for Neuropathy, hereditary sensory, type 1F. Last evaluated: 2024-06-26. Review status: criteria provided, single submitter. Criteria: Invitae Variant Classification Sherloc (09022015). Collection method: clinical testing. Allele origin: germline.
Comment: This sequence change replaces aspartic acid, which is acidic and polar, with asparagine, which is neutral and polar, at codon 181 of the ATL3 protein (p.Asp181Asn). This variant is not present in population databases (gnomAD no frequency). This variant has not been reported in the literature in individuals affected with ATL3-related conditions. Advanced modeling of protein sequence and biophysical properties (such as structural, functional, and spatial information, amino acid conservation, physicochemical variation, residue mobility, and thermodynamic stability) performed at Invitae indicates that this missense variant is not expected to disrupt ATL3 protein function with a negative predictive value of 80%. In summary, the available evidence is currently insufficient to determine the role of this variant in disease. Therefore, it has been classified as a Variant of Uncertain Significance.

NM_015459.5(ATL3):c.541G>A (p.Asp181Asn)

Genes: ATL3 (atlastin GTPase 3; minus strand), LNCROPM (lncRNA regulator of PLAAT3 mediated phospholipid metabolism; plus strand). Cytogenetic location: 11q13.1.
Variant type: single nucleotide variant.
Coding change: c.541G>A on transcript NM_015459.5 (MANE Select); coding-DNA position 541, G replaced by A.
Protein change: p.Asp181Asn; replaces aspartic acid 181 with asparagine.
Molecular consequence: missense variant.
Genome position (GRCh38, 1-based): chr11:63,651,956, C>T on the plus strand (G>A on the coding strand, the complement: ATL3 is on the minus strand). VCF-style: chr11-63651956-C-T. GRCh37 (hg19) VCF-style: chr11-63419428-C-T.
Other names: c.487G>A, p.Asp163Asn (NM_001290048.2); short protein forms D163N, D181N.
Identifiers: ClinVar variation 3715304 (VCV003715304.2).